The following is an entry in ClinVar:

NM_001003800.2(BICD2):c.1922T>A (p.Leu641Gln)

Gene: BICD2 (BICD cargo adaptor 2; minus strand). Cytogenetic location: 9q22.31.
Variant type: single nucleotide variant.
Coding change: c.1922T>A on transcript NM_001003800.2 (MANE Select); coding-DNA position 1922, T replaced by A.
Protein change: p.Leu641Gln; replaces leucine 641 with glutamine.
Molecular consequence: missense variant.
Genome position (GRCh38, 1-based): chr9:92,718,723, A>T on the plus strand (T>A on the coding strand, the complement: BICD2 is on the minus strand). VCF-style: chr9-92718723-A-T. GRCh37 (hg19) VCF-style: chr9-95481005-A-T.
Other names: c.1922T>A, p.Leu641Gln (NM_015250.4); short protein forms L641Q.
Identifiers: ClinVar variation 2865170 (VCV002865170.3), dbSNP rs1554705383, ClinGen allele CA374034894.
Genomic context (GRCh38, chr9:92,718,723, plus strand): 5'-AGCTCCTGAGAGGCAATGCGCTGGCGTGACAGCTCCGTGGTGCGGTCCACGGCTGCCTGC[A>T]GGTGCTTGATCTGGTCACGGATGATAGCGATCAGGTTGTAGATGTTCATGGGCTCCCGGC-3'
Protein context (NP_001003800.1, residues 631-651): IAIIRDQIKH[Leu641Gln]QAAVDRTTEL

ClinVar aggregate classification (germline): Pathogenic (1 of 4 stars; one submission).

Conditions:
Autosomal dominant childhood-onset proximal spinal muscular atrophy with contractures (SMALED2A). Also called: Spinal muscular atrophy, lower extremity-predominant, 2A, autosomal dominant; SPINAL MUSCULAR ATROPHY, LOWER EXTREMITY-PREDOMINANT, 2A, CHILDHOOD ONSET, AUTOSOMAL DOMINANT. Identifiers: Orphanet 363447, Orphanet 363454, MedGen C4747715, MONDO:0014121, OMIM 615290.

Submission:

Labcorp Genetics (formerly Invitae), Labcorp
Classification: Pathogenic for Autosomal dominant childhood-onset proximal spinal muscular atrophy with contractures. Last evaluated: 2024-10-15. Review status: criteria provided, single submitter. Criteria: Invitae Variant Classification Sherloc (09022015). Collection method: clinical testing. Allele origin: germline.
Comment: This sequence change replaces leucine, which is neutral and non-polar, with glutamine, which is neutral and polar, at codon 641 of the BICD2 protein (p.Leu641Gln). This variant is not present in population databases (gnomAD no frequency). This missense change has been observed in individual(s) with clinical features of BICD2-related conditions (internal data). In at least one individual the variant was observed to be de novo. Invitae Evidence Modeling of protein sequence and biophysical properties (such as structural, functional, and spatial information, amino acid conservation, physicochemical variation, residue mobility, and thermodynamic stability) indicates that this missense variant is expected to disrupt BICD2 protein function with a positive predictive value of 80%. For these reasons, this variant has been classified as Pathogenic.